The following is an entry in ClinVar:

ClinVar aggregate classification (germline): Uncertain significance (1 of 4 stars; one submission).

Conditions:
Cardiovascular phenotype. Identifiers: MedGen CN230736.

gnomAD v4.1: 5 of 1,611,958 alleles (0.00031%); highest among the groups gnomAD compares: Non-Finnish European, 0.00042%; no homozygotes.

Submission:

Ambry Genetics
Classification: Uncertain significance for Cardiovascular phenotype. Last evaluated: 2024-06-28. Review status: criteria provided, single submitter. Criteria: Ambry Variant Classification Scheme 2023. Collection method: clinical testing. Allele origin: germline.
Comment: The p.L1868P variant (also known as c.5603T>C), located in coding exon 23 of the AKAP9 gene, results from a T to C substitution at nucleotide position 5603. The leucine at codon 1868 is replaced by proline, an amino acid with similar properties. This amino acid position is conserved. In addition, this alteration is predicted to be tolerated by in silico analysis. Based on the available evidence, the clinical significance of this variant remains unclear.

NM_005751.5(AKAP9):c.5603T>C (p.Leu1868Pro)

Gene: AKAP9 (A-kinase anchoring protein 9; plus strand). Cytogenetic location: 7q21.2.
Variant type: single nucleotide variant.
Coding change: c.5603T>C on transcript NM_005751.5 (MANE Select); coding-DNA position 5603, T replaced by C.
Protein change: p.Leu1868Pro; replaces leucine 1868 with proline.
Molecular consequence: missense variant.
Genome position (GRCh38, 1-based): chr7:92,061,261, T>C. VCF-style: chr7-92061261-T-C. GRCh37 (hg19) VCF-style: chr7-91690575-T-C.
Other names: c.248T>C, p.Leu83Pro (NM_001379277.1); c.5603T>C, p.Leu1868Pro (NM_147185.3); short protein forms L83P, L1868P.
Identifiers: ClinVar variation 3516117 (VCV003516117.1).